The following is an entry in ClinVar:

ClinVar aggregate classification (germline): Conflicting classifications of pathogenicity. Review status: criteria provided, conflicting classifications (1 of 4 stars). 8 submissions from 8 submitters: Uncertain significance (1); Benign (1); Likely benign (4). 2 of the submissions do not count toward it. Last evaluated 2026-01-24.

Conditions:
NAGLU-related disorder. Also called: NAGLU-related condition.
Mucopolysaccharidosis, MPS-III-B (MPS3B). Also called: Mucopolysaccharidosis type IIIB (Sanfilippo B); MPS IIIB (Sanfilippo Syndrome Type B); N-ACETYL-ALPHA-D-GLUCOSAMINIDASE DEFICIENCY; NAGLU DEFICIENCY; SANFILIPPO SYNDROME B; MUCOPOLYSACCHARIDOSIS, TYPE IIIB. Identifiers: Orphanet 79270, MedGen C0086648, MONDO:0009656, OMIM 252920.
Charcot-Marie-Tooth disease axonal type 2V. Also called: CHARCOT-MARIE-TOOTH NEUROPATHY, TYPE 2V; CHARCOT-MARIE-TOOTH DISEASE, AXONAL, AUTOSOMAL DOMINANT, TYPE 2V. Identifiers: Orphanet 447964, MedGen C5569050, MONDO:0014665, OMIM 616491.

Allele frequency attached by ClinVar (database versions not stated): TOPMed 0.00034; gnomAD 0.00038 and 0.00041; ExAC 0.00041; gnomAD exomes 0.00042 and 0.00045; ESP Exome Variant Server 0.00031.
gnomAD v4.1: 688 of 1,613,438 alleles (0.043%); highest among the groups gnomAD compares: Non-Finnish European, 0.038%; no homozygotes.

Submissions (8):

Labcorp Genetics (formerly Invitae), Labcorp
Classification: Benign for Charcot-Marie-Tooth disease axonal type 2V; Mucopolysaccharidosis, MPS-III-B. Last evaluated: 2026-01-24. Review status: criteria provided, single submitter. Criteria: Invitae Variant Classification Sherloc (09022015). Collection method: clinical testing. Allele origin: germline.

Women's Health and Genetics/Laboratory Corporation of America, LabCorp
Classification: Likely benign. Last evaluated: 2025-11-03. Review status: criteria provided, single submitter. Criteria: LabCorp Variant Classification Summary - May 2015. Collection method: clinical testing. Allele origin: germline.

PreventionGenetics, part of Exact Sciences
Classification: Likely benign for NAGLU-related condition. Last evaluated: 2025-03-19. Review status: criteria provided, single submitter. Criteria: ACMG Guidelines, 2015. Collection method: clinical testing. Allele origin: germline.
Comment: This variant is classified as likely benign based on ACMG/AMP sequence variant interpretation guidelines (Richards et al. 2015 PMID: 25741868, with internal and published modifications).

Blueprint Genetics
Classification: Likely benign. Last evaluated: 2024-11-06. Review status: criteria provided, single submitter. Criteria: ACMG Guidelines, 2015. Collection method: clinical testing. Allele origin: germline.

CeGaT Center for Human Genetics Tuebingen
Classification: Likely benign. Last evaluated: 2024-02-01. Review status: criteria provided, single submitter. Criteria: CeGaT Center For Human Genetics Tuebingen Variant Classification Criteria Version 2. Collection method: clinical testing. Allele origin: germline. Affected: yes. Observed: 1 variant allele.
Comment: NAGLU: BP4, BP7

Illumina Laboratory Services, Illumina
Classification: Uncertain significance for Mucopolysaccharidosis, MPS-III-B. Last evaluated: 2018-01-13. Review status: criteria provided, single submitter. Criteria: ICSL Variant Classification Criteria 13 December 2019. Collection method: clinical testing. Allele origin: germline.

Natera, Inc.
Classification: Likely benign for Mucopolysaccharidosis type IIIB. Last evaluated: 2020-06-03. Review status: no assertion criteria provided. Collection method: clinical testing. Allele origin: germline. Not counted in ClinVar's aggregate classification.

Mayo Clinic Laboratories, Mayo Clinic
Classification: Likely benign. Last evaluated: 2018-01-31. Review status: no assertion criteria provided. Collection method: clinical testing. Allele origin: unknown. Not counted in ClinVar's aggregate classification.

NM_000263.4(NAGLU):c.1119G>T (p.Val373=)

Gene: NAGLU (N-acetyl-alpha-glucosaminidase; plus strand). Cytogenetic location: 17q21.2.
Variant type: single nucleotide variant.
Coding change: c.1119G>T on transcript NM_000263.4 (MANE Select); coding-DNA position 1119, G replaced by T.
Protein change: p.Val373=; no amino-acid change (valine 373 retained).
Molecular consequence: synonymous variant.
Genome position (GRCh38, 1-based): chr17:42,543,125, G>T. VCF-style: chr17-42543125-G-T. GRCh37 (hg19) VCF-style: chr17-40695143-G-T.
Identifiers: ClinVar variation 323298 (VCV000323298.44), dbSNP rs371656965, ClinGen allele CA8576962.